The following is an entry in ClinVar:

ClinVar aggregate classification (germline): Conflicting classifications of pathogenicity. Review status: criteria provided, conflicting classifications (1 of 4 stars). 5 submissions from 4 submitters: Uncertain significance (3); Benign (1); Likely benign (1). Last evaluated 2025-07-29.

Conditions:
Cardiovascular phenotype. Identifiers: MedGen CN230736.
Hereditary cancer-predisposing syndrome. Also called: Hereditary Cancer Syndrome; Neoplastic Syndromes, Hereditary; Tumor predisposition; Hereditary neoplastic syndrome. Identifiers: Orphanet 140162, MedGen C0027672, MeSH D009386, MONDO:0015356.
Neurofibromatosis, type 1 (NF1). Also called: Neurofibromatosis, type I; VON RECKLINGHAUSEN DISEASE; NEUROFIBROMATOSIS, TYPE I, SOMATIC; Peripheral type neurofibromatosis. Identifiers: Orphanet 636, MedGen C0027831, MONDO:0018975, OMIM 162200. Disease mechanism: loss of function.

Allele frequency attached by ClinVar (database versions not stated): ExAC 0.00001; gnomAD 0.00001; gnomAD exomes 0.00001; TOPMed 0.00002; ESP Exome Variant Server 0.00008.
gnomAD v4.1: 3 of 1,613,682 alleles (0.00019%); highest among the groups gnomAD compares: African/African-American, 0.004%; no homozygotes.

Submissions (5):

Labcorp Genetics (formerly Invitae), Labcorp
Classification: Benign for Neurofibromatosis, type 1. Last evaluated: 2025-07-29. Review status: criteria provided, single submitter. Criteria: Invitae Variant Classification Sherloc (09022015). Collection method: clinical testing. Allele origin: germline.

Ambry Genetics
Classification: Likely benign for Cardiovascular phenotype; Hereditary cancer-predisposing syndrome. Last evaluated: 2025-06-11. Review status: criteria provided, single submitter. Criteria: Ambry Variant Classification Scheme 2023. Collection method: clinical testing. Allele origin: germline.

Genome-Nilou Lab
Classification: Uncertain significance for Neurofibromatosis, type 1. Last evaluated: 2022-03-15. Review status: criteria provided, single submitter. Criteria: ACMG Guidelines, 2015. Collection method: clinical testing. Allele origin: germline. Affected: no.

GeneDx
Classification: Uncertain significance. Last evaluated: 2020-11-20. Review status: criteria provided, single submitter. Criteria: GeneDx Variant Classification Process June 2021. Collection method: clinical testing. Allele origin: germline. Affected: yes.
Comment: In silico analysis supports that this missense variant does not alter protein structure/function; Has not been previously published as pathogenic or benign to our knowledge

Ambry Genetics
Classification: Uncertain significance for Hereditary cancer-predisposing syndrome. Last evaluated: 2015-07-17. Review status: criteria provided, single submitter. Criteria: Ambry Autosomal Dominant and X-Linked criteria (10/2015). Collection method: clinical testing. Allele origin: germline. Observed: 1 variant allele.
Comment: The p.D646Y variant (also known as c.1936G>T), located in coding exon 17 of the NF1 gene, results from a G to T substitution at nucleotide position 1936. The aspartic acid at codon 646 is replaced by tyrosine, an amino acid with highly dissimilar properties. This variant was previously reported in the SNPDatabase as rs142079728. Based on data from the NHLBI Exome Sequencing Project (ESP), the T allele has an overall frequency of approximately 0.01% (1/13006) total alleles studied, having been observed in 0.02% (1/4406) African American alleles. To date, this alteration has been detected with an allele frequency of approximately 0.002% (greater than 55000alleles tested) in our clinical cohort.This amino acid position is highly conserved in available vertebrate species. In addition, the in silico prediction for this alteration is inconclusive.Since supporting evidence is limited at this time, the clinical significance of p.D646Yremains unclear.

NM_001042492.3(NF1):c.1936G>T (p.Asp646Tyr)

Gene: NF1 (neurofibromin 1; plus strand). Cytogenetic location: 17q11.2.
Variant type: single nucleotide variant.
Coding change: c.1936G>T on transcript NM_001042492.3 (MANE Select); coding-DNA position 1936, G replaced by T.
Protein change: p.Asp646Tyr; replaces aspartic acid 646 with tyrosine.
Molecular consequence: missense variant.
Genome position (GRCh38, 1-based): chr17:31,225,185, G>T. VCF-style: chr17-31225185-G-T. GRCh37 (hg19) VCF-style: chr17-29552203-G-T.
Other names: c.1936G>T, p.Asp646Tyr (NM_000267.4); short protein forms D646Y.
Identifiers: ClinVar variation 232947 (VCV000232947.14), dbSNP rs142079728, ClinGen allele CA8485884.